The following is an entry in ClinVar:

NM_003079.5(SMARCE1):c.623G>C (p.Ser208Thr)

Gene: SMARCE1 (SWI/SNF related BAF chromatin remodeling complex subunit E1; minus strand). Cytogenetic location: 17q21.2.
Variant type: single nucleotide variant.
Coding change: c.623G>C on transcript NM_003079.5 (MANE Select); coding-DNA position 623, G replaced by C.
Protein change: p.Ser208Thr; replaces serine 208 with threonine.
Molecular consequence: missense variant.
Genome position (GRCh38, 1-based): chr17:40,632,286, C>G on the plus strand (G>C on the coding strand, the complement: SMARCE1 is on the minus strand). VCF-style: chr17-40632286-C-G. GRCh37 (hg19) VCF-style: chr17-38788538-C-G.
Other names: short protein forms S208T.
Identifiers: ClinVar variation 3799013 (VCV003799013.1).

ClinVar aggregate classification (germline): Uncertain significance (1 of 4 stars; one submission).

Conditions:
Hereditary cancer-predisposing syndrome. Also called: Neoplastic Syndromes, Hereditary; Hereditary Cancer Syndrome; Tumor predisposition; Hereditary neoplastic syndrome. Identifiers: Orphanet 140162, MedGen C0027672, MeSH D009386, MONDO:0015356.

Submission:

Ambry Genetics
Classification: Uncertain significance for Hereditary cancer-predisposing syndrome. Last evaluated: 2025-01-13. Review status: criteria provided, single submitter. Criteria: Ambry Variant Classification Scheme 2023. Collection method: clinical testing. Allele origin: germline.
Comment: The p.S208T variant (also known as c.623G>C), located in coding exon 7 of the SMARCE1 gene, results from a G to C substitution at nucleotide position 623. The serine at codon 208 is replaced by threonine, an amino acid with similar properties. This amino acid position is conserved. In addition, this alteration is predicted to be tolerated by in silico analysis. Based on the available evidence, the clinical significance of this variant remains unclear.